The following is an entry in ClinVar:

NM_001089.3(ABCA3):c.1408A>C (p.Met470Leu)

Gene: ABCA3 (ATP binding cassette subfamily A member 3; minus strand). Cytogenetic location: 16p13.3.
Variant type: single nucleotide variant.
Coding change: c.1408A>C on transcript NM_001089.3 (MANE Select); coding-DNA position 1408, A replaced by C.
Protein change: p.Met470Leu; replaces methionine 470 with leucine.
Molecular consequence: missense variant.
Genome position (GRCh38, 1-based): chr16:2,304,028, T>G on the plus strand (A>C on the coding strand, the complement: ABCA3 is on the minus strand). VCF-style: chr16-2304028-T-G. GRCh37 (hg19) VCF-style: chr16-2354029-T-G.
Other names: short protein forms M470L.
Identifiers: ClinVar variation 870380 (VCV000870380.3), dbSNP rs772941826, ClinGen allele CA7841258.

ClinVar aggregate classification (germline): Uncertain significance. Review status: criteria provided, multiple submitters, no conflicts (2 of 4 stars). 2 submissions from 2 submitters: Uncertain significance (2). Last evaluated 2025-02-09.

Conditions:
Interstitial lung disease due to ABCA3 deficiency. Also called: PULMONARY ALVEOLAR PROTEINOSIS, CONGENITAL, 3. Identifiers: Orphanet 440402, MedGen C1970456, MONDO:0012582, OMIM 610921.
Hereditary pulmonary alveolar proteinosis. Also called: Pulmonary surfactant metabolism dysfunction. Identifiers: Orphanet 264675, MedGen C3711368, MONDO:0012580.

Allele frequency attached by ClinVar (database versions not stated): TOPMed below 0.00001; ExAC 0.00001; gnomAD 0.00001; gnomAD exomes 0.00001.
gnomAD v4.1: 26 of 1,614,026 alleles (0.0016%); highest among the groups gnomAD compares: East Asian, 0.0022%; no homozygotes.

Submissions (2):

Ambry Genetics
Classification: Uncertain significance for Hereditary pulmonary alveolar proteinosis. Last evaluated: 2025-02-09. Review status: criteria provided, single submitter. Criteria: Ambry Variant Classification Scheme 2023. Collection method: clinical testing. Allele origin: germline.

Victorian Clinical Genetics Services, Murdoch Childrens Research Institute
Classification: Uncertain significance for Interstitial lung disease due to ABCA3 deficiency. Last evaluated: 2018-10-22. Review status: criteria provided, single submitter. Criteria: ACMG Guidelines, 2015. Collection method: clinical testing. Allele origin: paternal. Affected: yes. Observed: 2 variant alleles.
Comment: A heterozygous missense variant, NM_001089.2(ABCA3):c.1408A>C, has been identified in exon 12 of 33 of the ABCA3 gene. The variant is predicted to result in a minor amino acid change from methionine to leucine at position 470 of the protein (NP_001080.2(ABCA3):p.(Met470Leu)). The methionine residue at this position has low conservation (100 vertebrates, UCSC), and is located within the AAA superfamily domain. In silico predictions for this variant are consistently benign (Polyphen, SIFT, CADD, Mutation Taster). The variant is present in the gnomAD database at a frequency of 0.001% (3 heterozygotes and 0 homozygotes), but has not been previously reported in clinical cases. Based on the information available at the time of curation, this variant has been classified as VARIANT of UNCERTAIN SIGNIFICANCE (VUS) with LOW CLINICAL RELEVANCE.